The following is an entry in ClinVar:

NM_001372066.1(TFAP2A):c.160G>A (p.Asp54Asn)

Gene: TFAP2A (transcription factor AP-2 alpha; minus strand). Cytogenetic location: 6p24.3.
Variant type: single nucleotide variant.
Coding change: c.160G>A on transcript NM_001372066.1 (MANE Select); coding-DNA position 160, G replaced by A.
Protein change: p.Asp54Asn; replaces aspartic acid 54 with asparagine.
Molecular consequence: missense variant.
Genome position (GRCh38, 1-based): chr6:10,410,227, C>T on the plus strand (G>A on the coding strand, the complement: TFAP2A is on the minus strand). VCF-style: chr6-10410227-C-T. GRCh37 (hg19) VCF-style: chr6-10410460-C-T.
Other names: c.136G>A, p.Asp46Asn (NM_001032280.3); c.142G>A, p.Asp48Asn (NM_001042425.3); short protein forms D54N, D46N, D48N.
Identifiers: ClinVar variation 1438190 (VCV001438190.6), dbSNP rs1443395951, ClinGen allele CA362705121.

ClinVar aggregate classification (germline): Uncertain significance (1 of 4 stars; one submission).

Allele frequency attached by ClinVar (database versions not stated): gnomAD exomes below 0.00001; TOPMed below 0.00001.
gnomAD v4.1: 3 of 1,351,556 alleles (0.00022%); highest among the groups gnomAD compares: East Asian, 0.0057%; no homozygotes.

Submission:

Labcorp Genetics (formerly Invitae), Labcorp
Classification: Uncertain significance. Last evaluated: 2023-08-04. Review status: criteria provided, single submitter. Criteria: Invitae Variant Classification Sherloc (09022015). Collection method: clinical testing. Allele origin: germline.
Comment: This variant has not been reported in the literature in individuals affected with TFAP2A-related conditions. In summary, the available evidence is currently insufficient to determine the role of this variant in disease. Therefore, it has been classified as a Variant of Uncertain Significance. An algorithm developed to predict the effect of missense changes on protein structure and function (PolyPhen-2) suggests that this variant is likely to be disruptive. ClinVar contains an entry for this variant (Variation ID: 1438190). The frequency data for this variant in the population databases is considered unreliable, as metrics indicate poor data quality at this position in the gnomAD database. This sequence change replaces aspartic acid, which is acidic and polar, with asparagine, which is neutral and polar, at codon 52 of the TFAP2A protein (p.Asp52Asn).